The following is an entry in ClinVar:

NM_004364.5(CEBPA):c.940G>T (p.Val314Leu)

Gene: CEBPA (CCAAT enhancer binding protein alpha; minus strand). Cytogenetic location: 19q13.11.
Variant type: single nucleotide variant.
Coding change: c.940G>T on transcript NM_004364.5 (MANE Select); coding-DNA position 940, G replaced by T.
Protein change: p.Val314Leu; replaces valine 314 with leucine.
Molecular consequence: missense variant.
Genome position (GRCh38, 1-based): chr19:33,301,475, C>A on the plus strand (G>T on the coding strand, the complement: CEBPA is on the minus strand). VCF-style: chr19-33301475-C-A. GRCh37 (hg19) VCF-style: chr19-33792381-C-A.
Other names: c.583G>T, p.Val195Leu (NM_001285829.2); c.1045G>T, p.Val349Leu (NM_001287424.2); c.898G>T, p.Val300Leu (NM_001287435.2); short protein forms V314L, V349L, V300L, V195L.
Identifiers: ClinVar variation 5034288 (VCV005034288.1).

ClinVar aggregate classification (germline): Uncertain significance (1 of 4 stars; one submission).

Conditions:
Inborn genetic diseases. Identifiers: MedGen C0950123, MeSH D030342.

Submission:

Ambry Genetics
Classification: Uncertain significance for Inborn genetic diseases. Last evaluated: 2026-07-06. Review status: criteria provided, single submitter. Criteria: Ambry Variant Classification Scheme 2023. Collection method: clinical testing. Allele origin: germline.
Comment: The p.V314L variant (also known as c.940G>T), located in coding exon 1 of the CEBPA gene, results from a G to T substitution at nucleotide position 940. The valine at codon 314 is replaced by leucine, an amino acid with highly similar properties. This amino acid position is conserved. In addition, this alteration is predicted to be tolerated by in silico analysis. Based on the available evidence, the clinical significance of this variant remains unclear.